The following is an entry in ClinVar:

NM_003560.4(PLA2G6):c.1225G>A (p.Val409Met)

Gene: PLA2G6 (phospholipase A2 group VI; minus strand). Cytogenetic location: 22q13.1.
Variant type: single nucleotide variant.
Coding change: c.1225G>A on transcript NM_003560.4 (MANE Select); coding-DNA position 1225, G replaced by A.
Protein change: p.Val409Met; replaces valine 409 with methionine.
Molecular consequence: missense variant. On other transcripts: intron variant (5).
Genome position (GRCh38, 1-based): chr22:38,128,392, C>T on the plus strand (G>A on the coding strand, the complement: PLA2G6 is on the minus strand). VCF-style: chr22-38128392-C-T. GRCh37 (hg19) VCF-style: chr22-38524399-C-T.
Other names: c.1225G>A (NM_003560.2); c.1225G>A, p.Val409Met (NM_001349864.2); c.691G>A, p.Val231Met (NM_001349867.2); c.547G>A, p.Val183Met (NM_001349868.2); c.1186+1062G>A (NM_001349866.2, NM_001199562.3, NM_001349865.2 and 1 more transcripts); c.652+1062G>A (NM_001349869.2); short protein forms V231M, V409M, V183M.
Identifiers: ClinVar variation 1398944 (VCV001398944.6), dbSNP rs375131619, ClinGen allele CA10230974.

ClinVar aggregate classification (germline): Uncertain significance. Review status: criteria provided, multiple submitters, no conflicts (2 of 4 stars). 2 submissions from 2 submitters: Uncertain significance (2). Last evaluated 2021-08-14.

Conditions:
Inborn genetic diseases. Identifiers: MedGen C0950123, MeSH D030342.
Infantile neuroaxonal dystrophy (NBIA2A). Also called: NEURODEGENERATION WITH BRAIN IRON ACCUMULATION 2A; SEITELBERGER DISEASE; Infantile neuroaxonal dystrophy 1. Identifiers: Orphanet 35069, MedGen C0270724, MONDO:0024457, OMIM 256600.

Allele frequency attached by ClinVar (database versions not stated): gnomAD exomes 0.00002; gnomAD 0.00001; ESP Exome Variant Server 0.00008; ExAC 0.00001.
gnomAD v4.1: 18 of 1,613,984 alleles (0.0011%); highest among the groups gnomAD compares: South Asian, 0.0022%; no homozygotes.

Submissions (2):

Labcorp Genetics (formerly Invitae), Labcorp
Classification: Uncertain significance for Infantile neuroaxonal dystrophy. Last evaluated: 2021-08-14. Review status: criteria provided, single submitter. Criteria: Invitae Variant Classification Sherloc (09022015). Collection method: clinical testing. Allele origin: germline.
Comment: This sequence change replaces valine with methionine at codon 409 of the PLA2G6 protein (p.Val409Met). The valine residue is moderately conserved and there is a small physicochemical difference between valine and methionine. This variant is present in population databases (rs375131619, ExAC 0.002%). This variant has not been reported in the literature in individuals affected with PLA2G6-related conditions. Advanced modeling of protein sequence and biophysical properties (such as structural, functional, and spatial information, amino acid conservation, physicochemical variation, residue mobility, and thermodynamic stability) performed at Invitae indicates that this missense variant is not expected to disrupt PLA2G6 protein function. In summary, the available evidence is currently insufficient to determine the role of this variant in disease. Therefore, it has been classified as a Variant of Uncertain Significance.

Ambry Genetics
Classification: Uncertain significance for Inborn genetic diseases. Last evaluated: 2021-07-27. Review status: criteria provided, single submitter. Criteria: Ambry Variant Classification Scheme 2023. Collection method: clinical testing. Allele origin: germline.